The following is an entry in ClinVar:

ClinVar aggregate classification (germline): Uncertain significance (1 of 4 stars; one submission).

Conditions:
Fanconi anemia (FA). Also called: Fanconi's anemia. Identifiers: Orphanet 84, MedGen C0015625, MeSH D005199, MONDO:0019391.

Submission:

Labcorp Genetics (formerly Invitae), Labcorp
Classification: Uncertain significance for Fanconi anemia. Last evaluated: 2025-03-18. Review status: criteria provided, single submitter. Criteria: Invitae Variant Classification Sherloc (09022015). Collection method: clinical testing. Allele origin: germline.
Comment: This sequence change replaces leucine, which is neutral and non-polar, with valine, which is neutral and non-polar, at codon 1048 of the FANCA protein (p.Leu1048Val). This variant is not present in population databases (gnomAD no frequency). This variant has not been reported in the literature in individuals affected with FANCA-related conditions. ClinVar contains an entry for this variant (Variation ID: 1371192). Invitae Evidence Modeling of protein sequence and biophysical properties (such as structural, functional, and spatial information, amino acid conservation, physicochemical variation, residue mobility, and thermodynamic stability) indicates that this missense variant is not expected to disrupt FANCA protein function with a negative predictive value of 95%. In summary, the available evidence is currently insufficient to determine the role of this variant in disease. Therefore, it has been classified as a Variant of Uncertain Significance.

NM_000135.4(FANCA):c.3142C>G (p.Leu1048Val)

Gene: FANCA (FA complementation group A; minus strand). Cytogenetic location: 16q24.3.
Variant type: single nucleotide variant.
Coding change: c.3142C>G on transcript NM_000135.4 (MANE Select); coding-DNA position 3142, C replaced by G.
Protein change: p.Leu1048Val; replaces leucine 1048 with valine.
Molecular consequence: missense variant.
Genome position (GRCh38, 1-based): chr16:89,749,827, G>C on the plus strand (C>G on the coding strand, the complement: FANCA is on the minus strand). VCF-style: chr16-89749827-G-C. GRCh37 (hg19) VCF-style: chr16-89816235-G-C.
Other names: c.3142C>G, p.Leu1048Val (NM_001286167.3); short protein forms L1048V.
Identifiers: ClinVar variation 1371192 (VCV001371192.6), dbSNP rs2143139226, ClinGen allele CA397486609.
Genomic context (GRCh38, chr16:89,749,827, plus strand): 5'-TGGCAGCCACGCTCCACCCGCTTGTCAGAGCCTGGAGCCGTCTGCGGAAAATCTCAAAGA[G>C]GAAGTGCTCCTGGGAAGGGGTGTGGCCGAGAGGCACTATGAGGTCTTGCTGCAGCTCCAG-3'
Protein context (NP_000126.2, residues 1038-1058): LGHTPSQEHF[Leu1048Val]FEIFRRRLQA